The following is an entry in ClinVar:

ClinVar aggregate classification (germline): Likely benign (1 of 4 stars; one submission).

Conditions:
ANK1-related disorder. Also called: ANK1-related condition.

gnomAD v4.1: 52 of 1,614,096 alleles (0.0032%); highest among the groups gnomAD compares: South Asian, 0.0055%; no homozygotes.

Submission:

PreventionGenetics, part of Exact Sciences
Classification: Likely benign for ANK1-related condition. Last evaluated: 2025-09-10. Review status: criteria provided, single submitter. Criteria: ACMG Guidelines, 2015. Collection method: clinical testing. Allele origin: germline.
Comment: This variant is classified as likely benign based on ACMG/AMP sequence variant interpretation guidelines (Richards et al. 2015 PMID: 25741868, with internal and published modifications).

NM_000037.4(ANK1):c.3111C>T (p.Asp1037=)

Gene: ANK1 (ankyrin 1; minus strand). Cytogenetic location: 8p11.21.
Variant type: single nucleotide variant.
Coding change: c.3111C>T on transcript NM_000037.4 (MANE Select); coding-DNA position 3111, C replaced by T.
Protein change: p.Asp1037=; no amino-acid change (aspartic acid 1037 retained).
Molecular consequence: synonymous variant.
Genome position (GRCh38, 1-based): chr8:41,695,181, G>A on the plus strand (C>T on the coding strand, the complement: ANK1 is on the minus strand). VCF-style: chr8-41695181-G-A. GRCh37 (hg19) VCF-style: chr8-41552699-G-A.
Other names: c.3234C>T, p.Asp1078= (NM_001142446.2); c.3111C>T, p.Asp1037= (NM_020475.3, NM_020476.3, NM_020477.3).
Identifiers: ClinVar variation 4977201 (VCV004977201.1).